The following is an entry in ClinVar:

ClinVar aggregate classification (germline): Uncertain significance (1 of 4 stars; one submission).

Conditions:
Peroxisome biogenesis disorder. Identifiers: Orphanet 79189, MedGen C1832200, MONDO:0019234. Disease mechanism: loss of function.

gnomAD v4.1: 4 of 1,614,086 alleles (0.00025%); highest among the groups gnomAD compares: Non-Finnish European, 0.00034%; no homozygotes.

Submission:

Labcorp Genetics (formerly Invitae), Labcorp
Classification: Uncertain significance for Peroxisome biogenesis disorder. Last evaluated: 2023-06-24. Review status: criteria provided, single submitter. Criteria: Invitae Variant Classification Sherloc (09022015). Collection method: clinical testing. Allele origin: germline.
Comment: In summary, the available evidence is currently insufficient to determine the role of this variant in disease. Therefore, it has been classified as a Variant of Uncertain Significance. Advanced modeling of protein sequence and biophysical properties (such as structural, functional, and spatial information, amino acid conservation, physicochemical variation, residue mobility, and thermodynamic stability) has been performed at Invitae for this missense variant, however the output from this modeling did not meet the statistical confidence thresholds required to predict the impact of this variant on PEX6 protein function. This variant has not been reported in the literature in individuals affected with PEX6-related conditions. This variant is not present in population databases (gnomAD no frequency). This sequence change replaces glycine, which is neutral and non-polar, with tryptophan, which is neutral and slightly polar, at codon 835 of the PEX6 protein (p.Gly835Trp).

NM_000287.4(PEX6):c.2503G>T (p.Gly835Trp)

Gene: PEX6 (peroxisomal biogenesis factor 6; minus strand). Cytogenetic location: 6p21.1.
Variant type: single nucleotide variant.
Coding change: c.2503G>T on transcript NM_000287.4 (MANE Select); coding-DNA position 2503, G replaced by T.
Protein change: p.Gly835Trp; replaces glycine 835 with tryptophan.
Molecular consequence: missense variant. On other transcripts: non-coding transcript variant (1).
Genome position (GRCh38, 1-based): chr6:42,965,337, C>A on the plus strand (G>T on the coding strand, the complement: PEX6 is on the minus strand). VCF-style: chr6-42965337-C-A. GRCh37 (hg19) VCF-style: chr6-42933075-C-A.
Other names: c.2239G>T, p.Gly747Trp (NM_001316313.2); short protein forms G747W, G835W.
Identifiers: ClinVar variation 2996267 (VCV002996267.1), dbSNP rs2481200244, ClinGen allele CA364151132.
Genomic context (GRCh38, chr6:42,965,337, plus strand): 5'-CCAGGAGATCTGGTCTGTTGGTGGCTCCAATCACAAACACATCCTGAGTGCTGTGCAGCC[C>A]ATCTAGCTCGGCAAGGAGCTGAGACACCACCCTGGAGAGAAGGGAGCAAGGGCAAGAGTC-3'
Protein context (NP_000278.3, residues 825-845): VVSQLLAELD[Gly835Trp]LHSTQDVFVI